The following is an entry in ClinVar:

NM_001267550.2(TTN):c.104098C>A (p.Pro34700Thr)

Genes: TTN (titin; minus strand), TTN-AS1 (TTN antisense RNA 1; plus strand). Cytogenetic location: 2q31.2.
Variant type: single nucleotide variant.
Coding change: c.104098C>A on transcript NM_001267550.2 (MANE Select); coding-DNA position 104098, C replaced by A.
Protein change: p.Pro34700Thr; replaces proline 34700 with threonine.
Molecular consequence: missense variant.
Genome position (GRCh38, 1-based): chr2:178,532,517, G>T on the plus strand (C>A on the coding strand, the complement: TTN is on the minus strand). VCF-style: chr2-178532517-G-T. GRCh37 (hg19) VCF-style: chr2-179397244-G-T.
Other names: c.99175C>A, p.Pro33059Thr (NM_001256850.1); c.76903C>A, p.Pro25635Thr (NM_003319.4); c.96394C>A, p.Pro32132Thr (NM_133378.4); c.77278C>A, p.Pro25760Thr (NM_133432.3); c.77479C>A, p.Pro25827Thr (NM_133437.4); short protein forms P25827T, P32132T, P34700T, P25760T, P25635T, P33059T.
Identifiers: ClinVar variation 842456 (VCV000842456.8), dbSNP rs778877604, ClinGen allele CA1985485.

ClinVar aggregate classification (germline): Uncertain significance (1 of 4 stars; one submission).

Conditions:
Autosomal recessive limb-girdle muscular dystrophy type 2J (LGMDR10). Also called: Limb-girdle muscular dystrophy, type 2J; MUSCULAR DYSTROPHY, LIMB-GIRDLE, AUTOSOMAL RECESSIVE 10. Identifiers: Orphanet 140922, MedGen C1837342, MONDO:0012127, OMIM 608807.
Dilated cardiomyopathy 1G (CMD1G). Identifiers: Orphanet 154, MedGen C1858763, MONDO:0011400, OMIM 604145.

Allele frequency attached by ClinVar (database versions not stated): TOPMed 0.00001.
gnomAD v4.1: 3 of 1,613,794 alleles (0.00019%); highest among the groups gnomAD compares: Non-Finnish European, 0.00025%; no homozygotes.

Submission:

Labcorp Genetics (formerly Invitae), Labcorp
Classification: Uncertain significance for Dilated cardiomyopathy 1G; Autosomal recessive limb-girdle muscular dystrophy type 2J. Last evaluated: 2019-12-30. Review status: criteria provided, single submitter. Criteria: Invitae Variant Classification Sherloc (09022015). Collection method: clinical testing. Allele origin: germline.
Comment: This sequence change replaces proline with threonine at codon 34700 of the TTN protein (p.Pro34700Thr). There is a small physicochemical difference between proline and threonine. This variant is present in population databases (rs778877604, ExAC 0.001%). This variant has not been reported in the literature in individuals with TTN-related conditions. Algorithms developed to predict the effect of missense changes on protein structure and function are unavailable for the TTN gene. In summary, the available evidence is currently insufficient to determine the role of this variant in disease. Therefore, it has been classified as a Variant of Uncertain Significance. This variant is located in the M band of TTN (PMID: 25589632). Variants in this region may be relevant for neuromuscular disorders, but have not been definitively shown to cause cardiomyopathy (PMID: 23975875).

Literature cited by the submitters: PubMed 25589632; PubMed 23975875.